The following is an entry in ClinVar:

ClinVar aggregate classification (germline): Uncertain significance. Review status: criteria provided, multiple submitters, no conflicts (2 of 4 stars). 2 submissions from 2 submitters: Uncertain significance (2). Last evaluated 2025-09-27.

Conditions:
Inborn genetic diseases. Identifiers: MedGen C0950123, MeSH D030342.

Allele frequency attached by ClinVar (database versions not stated): TOPMed 0.00004; gnomAD exomes 0.00001; gnomAD 0.00006.
gnomAD v4.1: 27 of 1,612,636 alleles (0.0017%); highest among the groups gnomAD compares: Middle Eastern, 0.066%; no homozygotes.

Submissions (2):

Ambry Genetics
Classification: Uncertain significance for Inborn genetic diseases. Last evaluated: 2025-09-27. Review status: criteria provided, single submitter. Criteria: Ambry Variant Classification Scheme 2023. Collection method: clinical testing. Allele origin: germline.

Labcorp Genetics (formerly Invitae), Labcorp
Classification: Uncertain significance. Last evaluated: 2023-08-10. Review status: criteria provided, single submitter. Criteria: Invitae Variant Classification Sherloc (09022015). Collection method: clinical testing. Allele origin: germline.
Comment: This sequence change replaces lysine, which is basic and polar, with asparagine, which is neutral and polar, at codon 193 of the SI protein (p.Lys193Asn). This variant is present in population databases (no rsID available, gnomAD 0.02%). This variant has not been reported in the literature in individuals affected with SI-related conditions. ClinVar contains an entry for this variant (Variation ID: 2469926). Advanced modeling of protein sequence and biophysical properties (such as structural, functional, and spatial information, amino acid conservation, physicochemical variation, residue mobility, and thermodynamic stability) has been performed at Invitae for this missense variant, however the output from this modeling did not meet the statistical confidence thresholds required to predict the impact of this variant on SI protein function. In summary, the available evidence is currently insufficient to determine the role of this variant in disease. Therefore, it has been classified as a Variant of Uncertain Significance.

NM_001041.4(SI):c.579G>T (p.Lys193Asn)

Gene: SI (sucrase-isomaltase; minus strand). Cytogenetic location: 3q26.1.
Variant type: single nucleotide variant.
Coding change: c.579G>T on transcript NM_001041.4 (MANE Select); coding-DNA position 579, G replaced by T.
Protein change: p.Lys193Asn; replaces lysine 193 with asparagine.
Molecular consequence: missense variant.
Genome position (GRCh38, 1-based): chr3:165,067,396, C>A on the plus strand (G>T on the coding strand, the complement: SI is on the minus strand). VCF-style: chr3-165067396-C-A. GRCh37 (hg19) VCF-style: chr3-164785184-C-A.
Other names: short protein forms K193N.
Identifiers: ClinVar variation 2469926 (VCV002469926.4), dbSNP rs980555067, ClinGen allele CA86496248.